The following is an entry in ClinVar:

ClinVar aggregate classification (germline): Uncertain significance (1 of 4 stars; one submission).

Conditions:
Progressive myoclonic epilepsy type 5. Identifiers: Orphanet 402082, MedGen C5190799.

Submission:

Labcorp Genetics (formerly Invitae), Labcorp
Classification: Uncertain significance for Progressive myoclonic epilepsy type 5. Last evaluated: 2022-11-14. Review status: criteria provided, single submitter. Criteria: Invitae Variant Classification Sherloc (09022015). Collection method: clinical testing. Allele origin: germline.
Comment: This variant has not been reported in the literature in individuals affected with PRICKLE2-related conditions. This variant is not present in population databases (gnomAD no frequency). This sequence change replaces arginine, which is basic and polar, with histidine, which is basic and polar, at codon 606 of the PRICKLE2 protein (p.Arg606His). Advanced modeling of protein sequence and biophysical properties (such as structural, functional, and spatial information, amino acid conservation, physicochemical variation, residue mobility, and thermodynamic stability) performed at Invitae indicates that this missense variant is not expected to disrupt PRICKLE2 protein function. In summary, the available evidence is currently insufficient to determine the role of this variant in disease. Therefore, it has been classified as a Variant of Uncertain Significance.

NM_198859.4(PRICKLE2):c.1817G>A (p.Arg606His)

Genes: PRICKLE2 (prickle planar cell polarity protein 2; minus strand), PRICKLE2-AS1 (PRICKLE2 antisense RNA 1; plus strand). Cytogenetic location: 3p14.1.
Variant type: single nucleotide variant.
Coding change: c.1817G>A on transcript NM_198859.4 (MANE Select); coding-DNA position 1817, G replaced by A.
Protein change: p.Arg606His; replaces arginine 606 with histidine.
Molecular consequence: missense variant. On other transcripts: non-coding transcript variant (1).
Genome position (GRCh38, 1-based): chr3:64,099,769, C>T on the plus strand (G>A on the coding strand, the complement: PRICKLE2 is on the minus strand). VCF-style: chr3-64099769-C-T. GRCh37 (hg19) VCF-style: chr3-64085445-C-T.
Other names: c.1817G>A, p.Arg606His (NM_001370528.1); short protein forms R606H.
Identifiers: ClinVar variation 2741503 (VCV002741503.3), dbSNP rs2036298379, ClinGen allele CA353427849.